The following is an entry in ClinVar:

ClinVar aggregate classification (germline): Uncertain significance. Review status: criteria provided, multiple submitters, no conflicts (2 of 4 stars). 2 submissions from 2 submitters: Uncertain significance (2). Last evaluated 2024-10-21.

Conditions:
Exostoses, multiple, type 2 (EXT2). Also called: Hereditary Multiple Osteochondromatosis, Type II; EXOSTOSES, MULTIPLE, TYPE II. Identifiers: Orphanet 321, MedGen C1851413, MONDO:0007586, OMIM 133701.

Allele frequency attached by ClinVar (database versions not stated): gnomAD exomes below 0.00001; ExAC 0.00002.
gnomAD v4.1: 2 of 1,614,242 alleles (0.00012%); highest among the groups gnomAD compares: East Asian, 0.0022%; no homozygotes.

Submissions (2):

Labcorp Genetics (formerly Invitae), Labcorp
Classification: Uncertain significance for Exostoses, multiple, type 2. Last evaluated: 2024-10-21. Review status: criteria provided, single submitter. Criteria: Invitae Variant Classification Sherloc (09022015). Collection method: clinical testing. Allele origin: germline.
Comment: This sequence change replaces tyrosine, which is neutral and polar, with cysteine, which is neutral and slightly polar, at codon 7 of the EXT2 protein (p.Tyr7Cys). This variant is present in population databases (rs765725291, gnomAD 0.006%). This variant has not been reported in the literature in individuals affected with EXT2-related conditions. Invitae Evidence Modeling of protein sequence and biophysical properties (such as structural, functional, and spatial information, amino acid conservation, physicochemical variation, residue mobility, and thermodynamic stability) indicates that this missense variant is not expected to disrupt EXT2 protein function with a negative predictive value of 95%. In summary, the available evidence is currently insufficient to determine the role of this variant in disease. Therefore, it has been classified as a Variant of Uncertain Significance.

Baylor Genetics
Classification: Uncertain significance for Exostoses, multiple, type 2. Last evaluated: 2024-01-12. Review status: criteria provided, single submitter. Criteria: ACMG Guidelines, 2015. Collection method: clinical testing. Allele origin: unknown.

NM_207122.2(EXT2):c.20A>G (p.Tyr7Cys)

Gene: EXT2 (exostosin glycosyltransferase 2; plus strand). Cytogenetic location: 11p11.2.
Variant type: single nucleotide variant.
Coding change: c.20A>G on transcript NM_207122.2 (MANE Select); coding-DNA position 20, A replaced by G.
Protein change: p.Tyr7Cys; replaces tyrosine 7 with cysteine.
Molecular consequence: missense variant.
Genome position (GRCh38, 1-based): chr11:44,107,732, A>G. VCF-style: chr11-44107732-A-G. GRCh37 (hg19) VCF-style: chr11-44129282-A-G.
Other names: c.119A>G, p.Tyr40Cys (NM_000401.3); c.20A>G, p.Tyr7Cys (NM_001178083.3, NM_001389628.1, NM_001389630.1); short protein forms Y40C, Y7C.
Identifiers: ClinVar variation 2886981 (VCV002886981.4), dbSNP rs765725291, ClinGen allele CA5954807.
Genomic context (GRCh38, chr11:44,107,732, plus strand): 5'-CTGGTGACCAGGAGTGTGAGGAAGAGGCTGTCTGTGTCATTATGTGTGCGTCGGTCAAGT[A>G]TAATATCCGGGGTCCTGCCCTCATCCCAAGAATGAAGACCAAGCACCGAATCTACTATAT-3'
Protein context (NP_997005.1, residues 1-17): MCASVK[Tyr7Cys]NIRGPALIPR